The following is an entry in ClinVar:

ClinVar aggregate classification (germline): Uncertain significance (1 of 4 stars; one submission).

Submission:

Labcorp Genetics (formerly Invitae), Labcorp
Classification: Uncertain significance. Last evaluated: 2023-11-02. Review status: criteria provided, single submitter. Criteria: Invitae Variant Classification Sherloc (09022015). Collection method: clinical testing. Allele origin: germline.
Comment: This sequence change replaces glutamic acid, which is acidic and polar, with lysine, which is basic and polar, at codon 119 of the NEFH protein (p.Glu119Lys). This variant is not present in population databases (gnomAD no frequency). This variant has not been reported in the literature in individuals affected with NEFH-related conditions. ClinVar contains an entry for this variant (Variation ID: 1966901). Advanced modeling of protein sequence and biophysical properties (such as structural, functional, and spatial information, amino acid conservation, physicochemical variation, residue mobility, and thermodynamic stability) performed at Invitae indicates that this missense variant is expected to disrupt NEFH protein function with a positive predictive value of 95%. In summary, the available evidence is currently insufficient to determine the role of this variant in disease. Therefore, it has been classified as a Variant of Uncertain Significance.

NM_021076.4(NEFH):c.355G>A (p.Glu119Lys)

Gene: NEFH (neurofilament heavy chain; plus strand). Cytogenetic location: 22q12.2.
Variant type: single nucleotide variant.
Coding change: c.355G>A on transcript NM_021076.4 (MANE Select); coding-DNA position 355, G replaced by A.
Protein change: p.Glu119Lys; replaces glutamic acid 119 with lysine.
Molecular consequence: missense variant.
Genome position (GRCh38, 1-based): chr22:29,480,617, G>A. VCF-style: chr22-29480617-G-A. GRCh37 (hg19) VCF-style: chr22-29876606-G-A.
Other names: short protein forms E119K.
Identifiers: ClinVar variation 1966901 (VCV001966901.5), dbSNP rs2517968594, ClinGen allele CA411122684.